The following is an entry in ClinVar:

NM_001099274.3(TINF2):c.494C>T (p.Pro165Leu)

Gene: TINF2 (TERF1 interacting nuclear factor 2; minus strand). Cytogenetic location: 14q12.
Variant type: single nucleotide variant.
Coding change: c.494C>T on transcript NM_001099274.3 (MANE Select); coding-DNA position 494, C replaced by T.
Protein change: p.Pro165Leu; replaces proline 165 with leucine.
Molecular consequence: missense variant.
Genome position (GRCh38, 1-based): chr14:24,241,217, G>A on the plus strand (C>T on the coding strand, the complement: TINF2 is on the minus strand). VCF-style: chr14-24241217-G-A. GRCh37 (hg19) VCF-style: chr14-24710423-G-A.
Other names: c.389C>T, p.Pro130Leu (NM_001363668.2); c.494C>T, p.Pro165Leu (NM_012461.3); short protein forms P130L, P165L.
Identifiers: ClinVar variation 3669998 (VCV003669998.4).
Genomic context (GRCh38, chr14:24,241,217, plus strand): 5'-AACAGCCACCCCACACTCTGCCCTTACATGTTTTGCCCCAGCGAAACCTGCTGTGCCTGC[G>A]GTGTAGGCAGTGCTTTCTCCAGCTGACACAAGTACTCAAAAAGCAGCTTTTCCATGGCAG-3'
Protein context (NP_001092744.1, residues 155-175): LCQLEKALPT[Pro165Leu]QAQQLQDVLS

ClinVar aggregate classification (germline): Conflicting classifications of pathogenicity. Review status: criteria provided, conflicting classifications (1 of 4 stars). 3 submissions from 3 submitters: Uncertain significance (2); Likely benign (1). Last evaluated 2025-12-29.

Conditions:
Dyskeratosis congenita. Identifiers: Orphanet 1775, MedGen C0265965, MONDO:0015780.

gnomAD v4.1: 11 of 1,613,992 alleles (0.00068%); highest among the groups gnomAD compares: African/African-American, 0.0027%; no homozygotes.

Submissions (3):

Center for Genomic Medicine, Rigshospitalet, Copenhagen University Hospital
Classification: Uncertain significance. Last evaluated: 2025-12-29. Review status: criteria provided, single submitter. Criteria: ACMG Guidelines, 2015. Collection method: clinical testing. Allele origin: germline.

Labcorp Genetics (formerly Invitae), Labcorp
Classification: Uncertain significance for Dyskeratosis congenita. Last evaluated: 2024-07-11. Review status: criteria provided, single submitter. Criteria: Invitae Variant Classification Sherloc (09022015). Collection method: clinical testing. Allele origin: germline.
Comment: This sequence change replaces proline, which is neutral and non-polar, with leucine, which is neutral and non-polar, at codon 165 of the TINF2 protein (p.Pro165Leu). This variant is present in population databases (rs755449636, gnomAD 0.002%). This variant has not been reported in the literature in individuals affected with TINF2-related conditions. An algorithm developed to predict the effect of missense changes on protein structure and function outputs the following: PolyPhen-2: "Benign". The leucine amino acid residue is found in multiple mammalian species, which suggests that this missense change does not adversely affect protein function. In summary, the available evidence is currently insufficient to determine the role of this variant in disease. Therefore, it has been classified as a Variant of Uncertain Significance.

Blueprint Genetics
Classification: Likely benign. Last evaluated: 2022-08-16. Review status: criteria provided, single submitter. Criteria: ACMG Guidelines, 2015. Collection method: clinical testing. Allele origin: germline.